The following is an entry in ClinVar:

NM_018076.5(ODAD2):c.1533+6T>C

Gene: ODAD2 (outer dynein arm docking complex subunit 2; minus strand). Cytogenetic location: 10p12.1.
Variant type: single nucleotide variant.
Coding change: c.1533+6T>C on transcript NM_018076.5 (MANE Select); 6 bases into the intron after coding-DNA position 1533, T replaced by C.
Molecular consequence: intron variant.
Genome position (GRCh38, 1-based): chr10:27,944,810, A>G on the plus strand (T>C on the coding strand, the complement: ODAD2 is on the minus strand). VCF-style: chr10-27944810-A-G. GRCh37 (hg19) VCF-style: chr10-28233739-A-G.
Other names: c.1533+6T>C (NM_001290020.2); c.609+6T>C (NM_001312689.2); c.108+6T>C (NM_001290021.2).
Identifiers: ClinVar variation 474573 (VCV000474573.6), dbSNP rs1323971082, ClinGen allele CA658657958.

ClinVar aggregate classification (germline): Uncertain significance (1 of 4 stars; one submission).

Conditions:
Primary ciliary dyskinesia 23 (CILD23). Also called: CILIARY DYSKINESIA, PRIMARY, 23, WITH OR WITHOUT SITUS INVERSUS. Identifiers: Orphanet 244, MedGen C3809548, MONDO:0014193, OMIM 615451.

Submission:

Labcorp Genetics (formerly Invitae), Labcorp
Classification: Uncertain significance for Primary ciliary dyskinesia 23. Last evaluated: 2021-09-01. Review status: criteria provided, single submitter. Criteria: Invitae Variant Classification Sherloc (09022015). Collection method: clinical testing. Allele origin: germline.
Comment: This sequence change falls in intron 11 of the ARMC4 gene. It does not directly change the encoded amino acid sequence of the ARMC4 protein. It affects a nucleotide within the consensus splice site of the intron. This variant is not present in population databases (ExAC no frequency). This variant has not been reported in the literature in individuals affected with ARMC4-related conditions. ClinVar contains an entry for this variant (Variation ID: 474573). Variants that disrupt the consensus splice site are a relatively common cause of aberrant splicing (PMID: 17576681, 9536098). Algorithms developed to predict the effect of sequence changes on RNA splicing suggest that this variant is not likely to affect RNA splicing. In summary, the available evidence is currently insufficient to determine the role of this variant in disease. Therefore, it has been classified as a Variant of Uncertain Significance.

Literature cited by the submitters: PubMed 17576681; PubMed 9536098.